The following is an entry in ClinVar:

NM_002471.4(MYH6):c.3178G>T (p.Asp1060Tyr)

Gene: MYH6 (myosin heavy chain 6; minus strand). Cytogenetic location: 14q11.2.
Variant type: single nucleotide variant.
Coding change: c.3178G>T on transcript NM_002471.4 (MANE Select); coding-DNA position 3178, G replaced by T.
Protein change: p.Asp1060Tyr; replaces aspartic acid 1060 with tyrosine.
Molecular consequence: missense variant.
Genome position (GRCh38, 1-based): chr14:23,392,985, C>A on the plus strand (G>T on the coding strand, the complement: MYH6 is on the minus strand). VCF-style: chr14-23392985-C-A. GRCh37 (hg19) VCF-style: chr14-23862194-C-A.
Other names: short protein forms D1060Y.
Identifiers: ClinVar variation 4992333 (VCV004992333.1).

ClinVar aggregate classification (germline): Uncertain significance (1 of 4 stars; one submission).

Conditions:
MYH6-related disorder. Also called: MYH6-Related Disorders; MYH6-related condition.

Submission:

PreventionGenetics, part of Exact Sciences
Classification: Uncertain significance for MYH6-related condition. Last evaluated: 2025-11-10. Review status: criteria provided, single submitter. Criteria: ACMG Guidelines, 2015. Collection method: clinical testing. Allele origin: germline.
Comment: The MYH6 c.3178G>T variant is predicted to result in the amino acid substitution p.Asp1060Tyr. To our knowledge, this variant has not been reported in the literature or in a large population database (gnomAD), indicating this variant is rare. At this time, the clinical significance of this variant is uncertain due to the absence of conclusive functional and genetic evidence.